The following is an entry in ClinVar:

ClinVar aggregate classification (germline): Likely benign. Review status: criteria provided, multiple submitters, no conflicts (2 of 4 stars). 2 submissions from 2 submitters: Likely benign (2). Last evaluated 2023-11-20.

Conditions:
Catecholaminergic polymorphic ventricular tachycardia 1. Also called: VENTRICULAR TACHYCARDIA, CATECHOLAMINERGIC POLYMORPHIC, 1, WITH OR WITHOUT ATRIAL DYSFUNCTION AND/OR DILATED CARDIOMYOPATHY; VENTRICULAR TACHYCARDIA, STRESS-INDUCED POLYMORPHIC 1; RYR2-Related Catecholaminergic Polymorphic Ventricular Tachycardia. Identifiers: Orphanet 3286, MedGen C1631597, MONDO:0011484, OMIM 604772.
Catecholaminergic polymorphic ventricular tachycardia (CVPT). Also called: Catecholamine-induced polymorphic ventricular tachycardia. Identifiers: Orphanet 3286, MedGen C5574922, MONDO:0017990.

Submissions (2):

All of Us Research Program, National Institutes of Health
Classification: Likely benign for Catecholaminergic polymorphic ventricular tachycardia. Last evaluated: 2023-11-20. Review status: criteria provided, single submitter. Criteria: ACMG Guidelines, 2015. Collection method: clinical testing. Allele origin: germline. Inheritance: Autosomal dominant inheritance. Observed: 2 variant alleles, 2 heterozygotes.
Comment: This study involves interpretation of variants in research participants for the purpose of population health screening. Participant phenotype was not available at the time of variant classification. Additional details can be found in publication PMID: 35346344, PMCID: PMC8962531

Labcorp Genetics (formerly Invitae), Labcorp
Classification: Likely benign for Catecholaminergic polymorphic ventricular tachycardia 1. Last evaluated: 2023-05-24. Review status: criteria provided, single submitter. Criteria: Invitae Variant Classification Sherloc (09022015). Collection method: clinical testing. Allele origin: germline.

NM_001035.3(RYR2):c.10324-12T>C

Gene: RYR2 (ryanodine receptor 2; plus strand). Cytogenetic location: 1q43.
Variant type: single nucleotide variant.
Coding change: c.10324-12T>C on transcript NM_001035.3 (MANE Select); 12 bases into the intron before coding-DNA position 10324, T replaced by C.
Molecular consequence: intron variant.
Genome position (GRCh38, 1-based): chr1:237,717,186, T>C. VCF-style: chr1-237717186-T-C. GRCh37 (hg19) VCF-style: chr1-237880486-T-C.
Identifiers: ClinVar variation 3011822 (VCV003011822.4), dbSNP rs2547451322, ClinGen allele CA2740092657.